The following is an entry in ClinVar:

NM_000286.3(PEX12):c.608T>G (p.Leu203Arg)

Gene: PEX12 (peroxisomal biogenesis factor 12; minus strand). Cytogenetic location: 17q12.
Variant type: single nucleotide variant.
Coding change: c.608T>G on transcript NM_000286.3 (MANE Select); coding-DNA position 608, T replaced by G.
Protein change: p.Leu203Arg; replaces leucine 203 with arginine.
Molecular consequence: missense variant.
Genome position (GRCh38, 1-based): chr17:35,577,110, A>C on the plus strand (T>G on the coding strand, the complement: PEX12 is on the minus strand). VCF-style: chr17-35577110-A-C. GRCh37 (hg19) VCF-style: chr17-33904129-A-C.
Other names: short protein forms L203R.
Identifiers: ClinVar variation 4992037 (VCV004992037.1).

ClinVar aggregate classification (germline): Uncertain significance (1 of 4 stars; one submission).

Conditions:
PEX12-related disorder. Also called: PEX12-related condition; PEX12-related disorders.

gnomAD v4.1: 1 of 1,614,130 alleles (0.000062%); highest among the groups gnomAD compares: Admixed American, 0.0017%; no homozygotes.

Submission:

PreventionGenetics, part of Exact Sciences
Classification: Uncertain significance for PEX12-related condition. Last evaluated: 2026-07-06. Review status: criteria provided, single submitter. Criteria: ACMG Guidelines, 2015. Collection method: clinical testing. Allele origin: germline.
Comment: The PEX12 c.608T>G variant is predicted to result in the amino acid substitution p.Leu203Arg. To our knowledge, this variant has not been reported in the literature. This variant is reported in 0.0029% of alleles in individuals of Latino descent in gnomAD. At this time, the clinical significance of this variant is uncertain due to the absence of conclusive functional and genetic evidence.